The following is an entry in ClinVar:

ClinVar aggregate classification (germline): Uncertain significance (1 of 4 stars; one submission).

Conditions:
Charcot-Marie-Tooth disease X-linked dominant 6. Also called: CHARCOT-MARIE-TOOTH NEUROPATHY, X-LINKED DOMINANT, 6. Identifiers: Orphanet 352675, MedGen C3806702, MONDO:0010479, OMIM 300905.

Submission:

Labcorp Genetics (formerly Invitae), Labcorp
Classification: Uncertain significance for Charcot-Marie-Tooth disease X-linked dominant 6. Last evaluated: 2022-08-31. Review status: criteria provided, single submitter. Criteria: Invitae Variant Classification Sherloc (09022015). Collection method: clinical testing. Allele origin: germline.
Comment: A copy number gain of the genomic region encompassing the full coding sequence of the PDK3 gene has been identified. The boundaries of this event are unknown as they extend beyond the assayed region for this gene and therefore may encompass additional genes. As the precise location of this event is unknown, it may be in tandem or it may be located elsewhere in the genome. This variant has not been reported in the literature in individuals affected with PDK3-related conditions. In summary, the available evidence is currently insufficient to determine the role of this variant in disease. Therefore, it has been classified as a Variant of Uncertain Significance.

NC_000023.10:g.(?_24483563)_(24557291_?)dup

Gene: PDK3 (pyruvate dehydrogenase kinase 3; plus strand). Cytogenetic location: Xp22.11.
Variant type: Duplication.
Identifiers: ClinVar variation 1439364 (VCV001439364.4).